The following is an entry in ClinVar:

NM_000890.5(KCNJ5):c.*121G>T

Gene: KCNJ5 (potassium inwardly rectifying channel subfamily J member 5; plus strand). Cytogenetic location: 11q24.3.
Variant type: single nucleotide variant.
Coding change: c.*121G>T on transcript NM_000890.5 (MANE Select); 121 bases downstream of the stop codon, G replaced by T.
Molecular consequence: 3 prime UTR variant.
Genome position (GRCh38, 1-based): chr11:128,916,852, G>T. VCF-style: chr11-128916852-G-T. GRCh37 (hg19) VCF-style: chr11-128786747-G-T.
Other names: c.*121G>T (NM_001354169.2, LRG_333t1).
Identifiers: ClinVar variation 303637 (VCV000303637.6), dbSNP rs78979538, ClinGen allele CA10638505.

ClinVar aggregate classification (germline): Benign (1 of 4 stars; one submission).

Conditions:
Familial hyperaldosteronism type III. Also called: FH III; Familial hyperaldosteronism type 3. Identifiers: Orphanet 251274, MedGen C3838758, MONDO:0013359, OMIM 613677.

Allele frequency attached by ClinVar (database versions not stated): 1000 Genomes Project 0.00419; 1000 Genomes Project 30x 0.00484; TOPMed 0.00860; gnomAD exomes 0.01272.
gnomAD v4.1: 9,319 of 774,406 alleles (1.2%); highest among the groups gnomAD compares: Non-Finnish European, 1.6%; 93 homozygotes.

Submission:

Illumina Laboratory Services, Illumina
Classification: Benign for Familial hyperaldosteronism type III. Last evaluated: 2018-01-13. Review status: criteria provided, single submitter. Criteria: ICSL Variant Classification Criteria 13 December 2019. Collection method: clinical testing. Allele origin: germline.
Comment: This variant was observed in the ICSL laboratory as part of a predisposition screen in an ostensibly healthy population. It had not been previously curated by ICSL or reported in the Human Gene Mutation Database (HGMD: prior to June 1st, 2018), and was therefore a candidate for classification through an automated scoring system. Utilizing variant allele frequency, disease prevalence and penetrance estimates, and inheritance mode, an automated score was calculated to assess if this variant is too frequent to cause the disease. Based on the score and internal cut-off values, a variant classified as benign is not then subjected to further curation. The score for this variant resulted in a classification of benign for this disease.